The following is an entry in ClinVar:

NM_015374.3(SUN2):c.2122C>T (p.Arg708Cys)

Genes: GTPBP1 (GTP binding protein 1; plus strand), SUN2 (Sad1 and UNC84 domain containing 2; minus strand). Cytogenetic location: 22q13.1.
Variant type: single nucleotide variant.
Coding change: c.2122C>T on transcript NM_015374.3 (MANE Select); coding-DNA position 2122, C replaced by T.
Protein change: p.Arg708Cys; replaces arginine 708 with cysteine.
Molecular consequence: missense variant.
Genome position (GRCh38, 1-based): chr22:38,736,299, G>A on the plus strand (C>T on the coding strand, the complement: SUN2 is on the minus strand). VCF-style: chr22-38736299-G-A. GRCh37 (hg19) VCF-style: chr22-39132304-G-A.
Other names: c.2185C>T, p.Arg729Cys (NM_001199579.2, NM_001394428.1); c.2122C>T, p.Arg708Cys (NM_001199580.2, NM_001394432.1, NM_001394433.1 and 2 more transcripts); c.2215C>T, p.Arg739Cys (NM_001394427.1); c.2167C>T, p.Arg723Cys (NM_001394429.1, NM_001394430.1); c.2119C>T, p.Arg707Cys (NM_001394436.1, NM_001394437.1); c.2032C>T, p.Arg678Cys (NM_001394438.1); c.1984C>T, p.Arg662Cys (NM_001394439.1, NM_001394440.1, NM_001394441.1); c.1723C>T, p.Arg575Cys (NM_001394442.1); and 2 more; short protein forms R575C, R723C, R729C, R662C, R707C, R544C, R708C, R739C.
Identifiers: ClinVar variation 1906711 (VCV001906711.5), dbSNP rs2517922595, ClinGen allele CA411582386.

ClinVar aggregate classification (germline): Uncertain significance (1 of 4 stars; one submission).

Conditions:
Emery-Dreifuss muscular dystrophy (EDMD). Also called: Scapuloperoneal syndrome, X-linked (formerly); Humeroperoneal neuromuscular disease, (formerly). Identifiers: Orphanet 261, MedGen C0410189, MONDO:0016830.

Allele frequency attached by ClinVar (database versions not stated): gnomAD exomes below 0.00001.
gnomAD v4.1: 5 of 1,613,974 alleles (0.00031%); highest among the groups gnomAD compares: Non-Finnish European, 0.00042%; no homozygotes.

Submission:

Labcorp Genetics (formerly Invitae), Labcorp
Classification: Uncertain significance for Emery-Dreifuss muscular dystrophy. Last evaluated: 2022-05-13. Review status: criteria provided, single submitter. Criteria: Invitae Variant Classification Sherloc (09022015). Collection method: clinical testing. Allele origin: germline.
Comment: Algorithms developed to predict the effect of missense changes on protein structure and function (SIFT, PolyPhen-2, Align-GVGD) all suggest that this variant is likely to be disruptive. This variant has not been reported in the literature in individuals affected with SUN2-related conditions. This variant is not present in population databases (gnomAD no frequency). This sequence change replaces arginine, which is basic and polar, with cysteine, which is neutral and slightly polar, at codon 708 of the SUN2 protein (p.Arg708Cys). In summary, the available evidence is currently insufficient to determine the role of this variant in disease. Therefore, it has been classified as a Variant of Uncertain Significance.